The following is an entry in ClinVar:

ClinVar aggregate classification (germline): Uncertain significance (1 of 4 stars; one submission).

Conditions:
Spastic paraplegia. Identifiers: MedGen C0037772, HP:0001258.

Allele frequency attached by ClinVar (database versions not stated): gnomAD exomes below 0.00001; TOPMed below 0.00001; gnomAD 0.00002; 1000 Genomes Project 30x 0.00016; 1000 Genomes Project 0.00020.
gnomAD v4.1: 6 of 1,608,384 alleles (0.00037%); highest among the groups gnomAD compares: South Asian, 0.0033%; no homozygotes.

Submission:

Labcorp Genetics (formerly Invitae), Labcorp
Classification: Uncertain significance for Spastic paraplegia. Last evaluated: 2024-01-29. Review status: criteria provided, single submitter. Criteria: Invitae Variant Classification Sherloc (09022015). Collection method: clinical testing. Allele origin: germline.
Comment: This sequence change replaces proline, which is neutral and non-polar, with serine, which is neutral and polar, at codon 1773 of the ZFYVE26 protein (p.Pro1773Ser). This variant is present in population databases (rs577341313, gnomAD 0.007%). This variant has not been reported in the literature in individuals affected with ZFYVE26-related conditions. ClinVar contains an entry for this variant (Variation ID: 1934186). Algorithms developed to predict the effect of missense changes on protein structure and function output the following: SIFT: "Not Available"; PolyPhen-2: "Benign"; Align-GVGD: "Not Available". The serine amino acid residue is found in multiple mammalian species, which suggests that this missense change does not adversely affect protein function. In summary, the available evidence is currently insufficient to determine the role of this variant in disease. Therefore, it has been classified as a Variant of Uncertain Significance.

NM_015346.4(ZFYVE26):c.5317C>T (p.Pro1773Ser)

Gene: ZFYVE26 (zinc finger FYVE-type containing 26; minus strand). Cytogenetic location: 14q24.1.
Variant type: single nucleotide variant.
Coding change: c.5317C>T on transcript NM_015346.4 (MANE Select); coding-DNA position 5317, C replaced by T.
Protein change: p.Pro1773Ser; replaces proline 1773 with serine.
Molecular consequence: missense variant.
Genome position (GRCh38, 1-based): chr14:67,775,019, G>A on the plus strand (C>T on the coding strand, the complement: ZFYVE26 is on the minus strand). VCF-style: chr14-67775019-G-A. GRCh37 (hg19) VCF-style: chr14-68241736-G-A.
Other names: short protein forms P1773S.
Identifiers: ClinVar variation 1934186 (VCV001934186.4), dbSNP rs577341313, ClinGen allele CA262840029.